The following is an entry in ClinVar:

NM_001035.3(RYR2):c.7626_7627delinsCA (p.Ser2543Thr)

Gene: RYR2 (ryanodine receptor 2; plus strand). Cytogenetic location: 1q43.
Variant type: Indel.
Coding change: c.7626_7627delinsCA on transcript NM_001035.3 (MANE Select); coding-DNA positions 7626 to 7627, TT replaced by CA.
Protein change: p.Ser2543Thr; replaces serine 2543 with threonine.
Molecular consequence: missense variant.
Genome position (GRCh38, 1-based): chr1:237,649,990-237,649,991, TT replaced by CA. VCF-style: chr1-237649990-TT-CA. GRCh37 (hg19) VCF-style: chr1-237813290-TT-CA.
Other names: short protein forms S2543T.
Identifiers: ClinVar variation 2171640 (VCV002171640.4), dbSNP rs2547037217, ClinGen allele CA2580062460.

ClinVar aggregate classification (germline): Uncertain significance (1 of 4 stars; one submission).

Conditions:
Catecholaminergic polymorphic ventricular tachycardia 1. Also called: VENTRICULAR TACHYCARDIA, STRESS-INDUCED POLYMORPHIC 1; VENTRICULAR TACHYCARDIA, CATECHOLAMINERGIC POLYMORPHIC, 1, WITH OR WITHOUT ATRIAL DYSFUNCTION AND/OR DILATED CARDIOMYOPATHY; RYR2-Related Catecholaminergic Polymorphic Ventricular Tachycardia. Identifiers: Orphanet 3286, MedGen C1631597, MONDO:0011484, OMIM 604772.

Submission:

Labcorp Genetics (formerly Invitae), Labcorp
Classification: Uncertain significance for Catecholaminergic polymorphic ventricular tachycardia 1. Last evaluated: 2025-10-21. Review status: criteria provided, single submitter. Criteria: Invitae Variant Classification Sherloc (09022015). Collection method: clinical testing. Allele origin: germline.
Comment: This sequence change replaces serine, which is neutral and polar, with threonine, which is neutral and polar, at codon 2543 of the RYR2 protein (p.Ser2543Thr). Information on the frequency of this variant in the gnomAD database is not available, as this variant may be reported differently in the database. This variant has not been reported in the literature in individuals affected with RYR2-related conditions. ClinVar contains an entry for this variant (Variation ID: 2171640). Experimental studies and prediction algorithms are not available or were not evaluated, and the functional significance of this variant is currently unknown. In summary, the available evidence is currently insufficient to determine the role of this variant in disease. Therefore, it has been classified as a Variant of Uncertain Significance.